The following is an entry in ClinVar:

ClinVar aggregate classification (germline): Pathogenic (1 of 4 stars; one submission).

Conditions:
Hereditary hyperekplexia. Identifiers: Orphanet 3197, MedGen C4084968, MONDO:0021022.

Allele frequency attached by ClinVar (database versions not stated): gnomAD exomes 0.00001.
gnomAD v4.1: 10 of 1,613,934 alleles (0.00062%); highest among the groups gnomAD compares: Non-Finnish European, 0.00085%; no homozygotes.

Submission:

Labcorp Genetics (formerly Invitae), Labcorp
Classification: Pathogenic for Hereditary hyperekplexia. Last evaluated: 2025-10-11. Review status: criteria provided, single submitter. Criteria: Invitae Variant Classification Sherloc (09022015). Collection method: clinical testing. Allele origin: germline.
Comment: This sequence change replaces arginine, which is basic and polar, with cysteine, which is neutral and slightly polar, at codon 100 of the GLRA1 protein (p.Arg100Cys). This variant is not present in population databases (gnomAD no frequency). This missense change has been observed in individuals with autosomal recessive hyperekplexia (PMID: 24108130). This variant is also known as p.R72C. ClinVar contains an entry for this variant (Variation ID: 2196359). Invitae Evidence Modeling of protein sequence and biophysical properties (such as structural, functional, and spatial information, amino acid conservation, physicochemical variation, residue mobility, and thermodynamic stability) indicates that this missense variant is expected to disrupt GLRA1 protein function with a positive predictive value of 80%. Experimental studies have shown that this missense change affects GLRA1 function (PMID: 24108130). This variant disrupts the p.Arg100 amino acid residue in GLRA1. Other variant(s) that disrupt this residue have been determined to be pathogenic (PMID: 16078201). This suggests that this residue is clinically significant, and that variants that disrupt this residue are likely to be disease-causing. For these reasons, this variant has been classified as Pathogenic.

Literature cited by the submitters: PubMed 24108130; PubMed 16078201.

NM_000171.4(GLRA1):c.298C>T (p.Arg100Cys)

Gene: GLRA1 (glycine receptor alpha 1; minus strand). Cytogenetic location: 5q33.1.
Variant type: single nucleotide variant.
Coding change: c.298C>T on transcript NM_000171.4 (MANE Select); coding-DNA position 298, C replaced by T.
Protein change: p.Arg100Cys; replaces arginine 100 with cysteine.
Molecular consequence: missense variant.
Genome position (GRCh38, 1-based): chr5:151,859,963, G>A on the plus strand (C>T on the coding strand, the complement: GLRA1 is on the minus strand). VCF-style: chr5-151859963-G-A. GRCh37 (hg19) VCF-style: chr5-151239524-G-A.
Other names: c.298C>T, p.Arg100Cys (NM_001146040.2); c.49C>T, p.Arg17Cys (NM_001292000.2); short protein forms R100C, R17C.
Identifiers: ClinVar variation 2196359 (VCV002196359.4), dbSNP rs1581623910, ClinGen allele CA361842079.